The following is an entry in ClinVar:

NM_130839.5(UBE3A):c.806C>T (p.Thr269Met)

Genes: SNHG14 (small nucleolar RNA host gene 14; plus strand), UBE3A (ubiquitin protein ligase E3A; minus strand). Cytogenetic location: 15q11.2.
Variant type: single nucleotide variant.
Coding change: c.806C>T on transcript NM_130839.5 (MANE Select); coding-DNA position 806, C replaced by T.
Protein change: p.Thr269Met; replaces threonine 269 with methionine.
Molecular consequence: missense variant. On other transcripts: non-coding transcript variant (1), intron variant (2).
Genome position (GRCh38, 1-based): chr15:25,371,368, G>A on the plus strand (C>T on the coding strand, the complement: UBE3A is on the minus strand). VCF-style: chr15-25371368-G-A. GRCh37 (hg19) VCF-style: chr15-25616515-G-A.
Other names: c.815C>T, p.Thr272Met (NM_000462.5); c.806C>T, p.Thr269Met (NM_001354505.1, NM_001354538.2, NM_001354545.2); c.746C>T, p.Thr249Met (NM_001354506.2, NM_001354507.2, NM_001354508.2 and 17 more transcripts); c.629C>T, p.Thr210Met (NM_001354546.2); c.301+4097C>T (NM_001354551.2); c.361+4097C>T (NM_001354550.2); short protein forms T249M, T210M, T269M, T272M.
Identifiers: ClinVar variation 449131 (VCV000449131.2), dbSNP rs1459066021, ClinGen allele CA391355031.
Genomic context (GRCh38, chr15:25,371,368, plus strand): 5'-TCCATTACGATAATGAACAAATTCAGATAATTAGGATCTCGAGAGTATACATTGTGATAC[G>A]TCAAGTCACATTCCACGTTAGGTGACAAATATACAAGTGCATTGAGAAAGGCAGTTTCAA-3'
Protein context (NP_570854.1, residues 259-279): YLSPNVECDL[Thr269Met]YHNVYSRDPN

ClinVar aggregate classification (germline): Uncertain significance (1 of 4 stars; one submission).

Allele frequency attached by ClinVar (database versions not stated): gnomAD exomes below 0.00001 and 0.00002; TOPMed below 0.00001; gnomAD 0.00001.
gnomAD v4.1: 27 of 1,613,838 alleles (0.0017%); highest among the groups gnomAD compares: East Asian, 0.0067%; no homozygotes.

Submission:

GeneDx
Classification: Uncertain significance. Last evaluated: 2017-08-08. Review status: criteria provided, single submitter. Criteria: GeneDx Variant Classification (06012015). Collection method: clinical testing. Allele origin: germline. Affected: yes.
Comment: The T249M variant in the UBE3A gene has not been reported previously as a pathogenic variant, nor as a benign variant, to our knowledge. The T249M variant is not observed in large population cohorts (Lek et al., 2016; 1000 Genomes Consortium et al., 2015; Exome Variant Server). The T249M variant is a non-conservative amino acid substitution, which is likely to impact secondary protein structure as these residues differ in polarity, charge, size and/or other properties. This substitution occurs at a position that is conserved in mammals. In silico analysis is inconsistent in its predictions as to whether or not the variant is damaging to the protein structure/function. We interpret T249M as a variant of uncertain significance